The following is an entry in ClinVar:

NM_033022.4(RPS24):c.4-3C>T

Gene: RPS24 (ribosomal protein S24; plus strand). Cytogenetic location: 10q22.3.
Variant type: single nucleotide variant.
Coding change: c.4-3C>T on transcript NM_033022.4 (MANE Select); 3 bases into the intron before coding-DNA position 4, C replaced by T.
Molecular consequence: intron variant.
Genome position (GRCh38, 1-based): chr10:78,035,349, C>T. VCF-style: chr10-78035349-C-T. GRCh37 (hg19) VCF-style: chr10-79795107-C-T.
Other names: c.4-3C>T (NM_001142285.2, NM_001142283.2, NM_001142282.2 and 2 more transcripts).
Identifiers: ClinVar variation 2418834 (VCV002418834.13), dbSNP rs996698952, ClinGen allele CA210191457.

ClinVar aggregate classification (germline): Uncertain significance. Review status: criteria provided, multiple submitters, no conflicts (2 of 4 stars). 2 submissions from 2 submitters: Uncertain significance (2). Last evaluated 2024-04-23.

Conditions:
Diamond-Blackfan anemia 3 (DBA3). Also called: RPS24-Related Diamond-Blackfan Anemia. Identifiers: Orphanet 124, MedGen C1857719, MONDO:0012529, OMIM 610629.
Diamond-Blackfan anemia. Also called: Blackfan Diamond syndrome; Aregenerative anemia chronic congenital; Red cell aplasia, pure hereditary; Congenital hypoplastic anemia; Aase syndrome. Identifiers: Orphanet 124, MedGen C1260899, MeSH D029503, MONDO:0015253, HP:0004810.

Allele frequency attached by ClinVar (database versions not stated): gnomAD exomes 0.00001; TOPMed 0.00001.
gnomAD v4.1: 16 of 1,613,718 alleles (0.00099%); highest among the groups gnomAD compares: Middle Eastern, 0.017%; no homozygotes.

Submissions (2):

Fulgent Genetics
Classification: Uncertain significance for Diamond-Blackfan anemia 3. Last evaluated: 2024-04-23. Review status: criteria provided, single submitter. Criteria: ACMG Guidelines, 2015. Collection method: clinical testing. Allele origin: germline.

Labcorp Genetics (formerly Invitae), Labcorp
Classification: Uncertain significance for Diamond-Blackfan anemia. Last evaluated: 2024-02-08. Review status: criteria provided, single submitter. Criteria: Invitae Variant Classification Sherloc (09022015). Collection method: clinical testing. Allele origin: germline.
Comment: This sequence change falls in intron 1 of the RPS24 gene. It does not directly change the encoded amino acid sequence of the RPS24 protein. It affects a nucleotide within the consensus splice site. This variant is present in population databases (no rsID available, gnomAD 0.0009%). This variant has not been reported in the literature in individuals affected with RPS24-related conditions. ClinVar contains an entry for this variant (Variation ID: 2418834). Variants that disrupt the consensus splice site are a relatively common cause of aberrant splicing (PMID: 17576681, 9536098). Algorithms developed to predict the effect of sequence changes on RNA splicing suggest that this variant is not likely to affect RNA splicing. In summary, the available evidence is currently insufficient to determine the role of this variant in disease. Therefore, it has been classified as a Variant of Uncertain Significance.

Literature cited by the submitters: PubMed 17576681 (cited by Labcorp Genetics (formerly Invitae), Labcorp); PubMed 9536098 (cited by Labcorp Genetics (formerly Invitae), Labcorp).